The following is an entry in ClinVar:

ClinVar aggregate classification (germline): Benign. Review status: criteria provided, multiple submitters, no conflicts (2 of 4 stars). 13 submissions from 11 submitters: Benign (11). 2 of the submissions do not count toward it. Last evaluated 2026-02-04.

Conditions:
Autosomal recessive nonsyndromic hearing loss 21. Identifiers: Orphanet 90636, MedGen C1863655, MONDO:0011351, OMIM 603629.
Autosomal dominant nonsyndromic hearing loss 12. Also called: DEAFNESS, AUTOSOMAL DOMINANT 8. Identifiers: Orphanet 90635, MedGen C1832187, MONDO:0011102, OMIM 601543.

Allele frequency attached by ClinVar (database versions not stated): gnomAD exomes 0.69658 and 0.69800; ExAC 0.70410; TOPMed 0.73448; gnomAD 0.73622 and 0.73877; ESP Exome Variant Server 0.74631; 1000 Genomes Project 0.75140; 1000 Genomes Project 30x 0.75406.
gnomAD v4.1: 1,132,402 of 1,613,820 alleles (70%); highest among the groups gnomAD compares: African/African-American, 87%; 399,356 homozygotes.

Submissions (13):

Labcorp Genetics (formerly Invitae), Labcorp
Classification: Benign. Last evaluated: 2026-02-04. Review status: criteria provided, single submitter. Criteria: Invitae Variant Classification Sherloc (09022015). Collection method: clinical testing. Allele origin: germline.

Genome-Nilou Lab
Classification: Benign for Autosomal dominant nonsyndromic hearing loss 12. Last evaluated: 2021-09-10. Review status: criteria provided, single submitter. Criteria: ACMG Guidelines, 2015. Collection method: clinical testing. Allele origin: germline. Affected: no.

Genome-Nilou Lab
Classification: Benign for Autosomal recessive nonsyndromic hearing loss 21. Last evaluated: 2021-09-10. Review status: criteria provided, single submitter. Criteria: ACMG Guidelines, 2015. Collection method: clinical testing. Allele origin: germline. Affected: no.

Mayo Clinic Laboratories, Mayo Clinic
Classification: Benign. Last evaluated: 2020-07-02. Review status: criteria provided, single submitter. Criteria: ACMG Guidelines, 2015. Collection method: clinical testing. Allele origin: germline. Observed: 149 variant alleles.

Illumina Laboratory Services, Illumina
Classification: Benign for Autosomal recessive nonsyndromic hearing loss 21. Last evaluated: 2018-01-12. Review status: criteria provided, single submitter. Criteria: ICSL Variant Classification Criteria 13 December 2019. Collection method: clinical testing. Allele origin: germline.
Comment: This variant was observed in the ICSL laboratory as part of a predisposition screen in an ostensibly healthy population. It had not been previously curated by ICSL or reported in the Human Gene Mutation Database (HGMD: prior to June 1st, 2018), and was therefore a candidate for classification through an automated scoring system. Utilizing variant allele frequency, disease prevalence and penetrance estimates, and inheritance mode, an automated score was calculated to assess if this variant is too frequent to cause the disease. Based on the score and internal cut-off values, a variant classified as benign is not then subjected to further curation. The score for this variant resulted in a classification of benign for this disease.

Illumina Laboratory Services, Illumina
Classification: Benign for Autosomal dominant nonsyndromic hearing loss 12. Last evaluated: 2018-01-12. Review status: criteria provided, single submitter. Criteria: ICSL Variant Classification Criteria 13 December 2019. Collection method: clinical testing. Allele origin: germline.
Comment: the same text as in the submission from Illumina Laboratory Services, Illumina above.

GeneDx
Classification: Benign. Last evaluated: 2015-03-03. Review status: criteria provided, single submitter. Criteria: GeneDx Variant Classification Process June 2021. Collection method: clinical testing. Allele origin: germline. Affected: yes.

Eurofins Ntd Llc (ga)
Classification: Benign. Last evaluated: 2014-12-16. Review status: criteria provided, single submitter. Criteria: EGL Classification Definitions 2015. Collection method: clinical testing. Allele origin: germline. Observed: 1 variant allele, 1 heterozygote.

Laboratory for Molecular Medicine, Mass General Brigham Personalized Medicine
Classification: Benign. Last evaluated: 2012-05-07. Review status: criteria provided, single submitter. Criteria: LMM Criteria. Collection method: clinical testing. Allele origin: germline. Observed: 1,475 variant alleles.
Comment: "Tyr935Tyr in Exon 09 of TECTA: This variant is not expected to have clinical si gnificance because it does not alter an amino acid residue, is not located withi n the splice consensus sequence, and has been identified in 31.4% (2201/7020) of European American chromosomes from a broad population by the NHLBI Exome Sequen cing Project (dbSNP rs586473)."

Breakthrough Genomics
Classification: Benign. Review status: criteria provided, single submitter. Criteria: ACMG Guidelines, 2015. Collection method: not provided. Allele origin: germline. Inheritance: Autosomal recessive inheritance. Affected: yes.

PreventionGenetics, part of Exact Sciences
Classification: Benign. Review status: criteria provided, single submitter. Criteria: ACMG Guidelines, 2015. Collection method: clinical testing. Allele origin: germline.

Diagnostic Laboratory, Department of Genetics, University Medical Center Groningen
Classification: Benign. Review status: no assertion criteria provided. Collection method: clinical testing. Allele origin: germline. Affected: yes. Study: VKGL Data-share Consensus. Not counted in ClinVar's aggregate classification.

Joint Genome Diagnostic Labs from Nijmegen and Maastricht, Radboudumc and MUMC+
Classification: Benign. Review status: no assertion criteria provided. Collection method: clinical testing. Allele origin: germline. Affected: yes. Study: VKGL Data-share Consensus. Not counted in ClinVar's aggregate classification.

NM_005422.4(TECTA):c.2805T>C (p.Tyr935=)

Genes: TBCEL-TECTA (TBCEL-TECTA readthrough; plus strand), TECTA (tectorin alpha; plus strand), LOC126861365 (P300/CBP strongly-dependent group 1 enhancer GRCh37_chr11:121000154-121001353; plus strand). Cytogenetic location: 11q23.3.
Variant type: single nucleotide variant.
Coding change: c.2805T>C on transcript NM_005422.4 (MANE Select); coding-DNA position 2805, T replaced by C.
Protein change: p.Tyr935=; no amino-acid change (tyrosine 935 retained).
Molecular consequence: synonymous variant.
Genome position (GRCh38, 1-based): chr11:121,130,075, T>C. VCF-style: chr11-121130075-T-C. GRCh37 (hg19) VCF-style: chr11-121000784-T-C.
Other names: p.Tyr935=; c.3762T>C, p.Tyr1254= (NM_001378761.1).
Identifiers: ClinVar variation 45323 (VCV000045323.33), dbSNP rs586473, ClinGen allele CA136036.
Genomic context (GRCh38, chr11:121,130,075, plus strand): 5'-CAACGACCCCTCCAACAGCTCCTTCCTGGAGTGCCATGGGGTGGTGAACGTCACTGCCTA[T>C]TACCGCACCTGCCTTTTCCGCCTGTGCCAGAGTGGGGGCAATGAGTCAGAGCTCTGTGAC-3'
Protein context (NP_005413.2, residues 925-945): ECHGVVNVTA[Tyr935=]YRTCLFRLCQ